The following is an entry in ClinVar:

NM_001014.5(RPS10):c.222G>C (p.Glu74Asp)

Genes: RPS10 (ribosomal protein S10; minus strand), RPS10-NUDT3 (RPS10-NUDT3 readthrough; minus strand). Cytogenetic location: 6p21.31.
Variant type: single nucleotide variant.
Coding change: c.222G>C on transcript NM_001014.5 (MANE Select); coding-DNA position 222, G replaced by C.
Protein change: p.Glu74Asp; replaces glutamic acid 74 with aspartic acid.
Molecular consequence: missense variant.
Genome position (GRCh38, 1-based): chr6:34,424,769, C>G on the plus strand (G>C on the coding strand, the complement: RPS10 is on the minus strand). VCF-style: chr6-34424769-C-G. GRCh37 (hg19) VCF-style: chr6-34392546-C-G.
Other names: c.222G>C, p.Glu74Asp (NM_001202470.3, NM_001203245.3, NM_001204091.2); short protein forms E74D.
Identifiers: ClinVar variation 2857088 (VCV002857088.3), dbSNP rs1581931578, ClinGen allele CA363885180.
Genomic context (GRCh38, chr6:34,424,769, plus strand): 5'-TAGGGTGGCAGGCACAATCTCCGGGGGCAGATGAAGGTAATCACGGAGATACTGGATACC[C>G]TCATTGGTAAGGTACCAGTAGAAATGTCTCCAGGCAAACTGTTCCTTCACGTAGCCTCGG-3'
Protein context (NP_001005.1, residues 64-84): WRHFYWYLTN[Glu74Asp]GIQYLRDYLH

ClinVar aggregate classification (germline): Uncertain significance (1 of 4 stars; one submission).

Conditions:
Diamond-Blackfan anemia. Also called: Blackfan Diamond syndrome; Aregenerative anemia chronic congenital; Red cell aplasia, pure hereditary; Congenital hypoplastic anemia; Aase syndrome. Identifiers: Orphanet 124, MedGen C1260899, MeSH D029503, MONDO:0015253, HP:0004810.

Submission:

Labcorp Genetics (formerly Invitae), Labcorp
Classification: Uncertain significance for Diamond-Blackfan anemia. Last evaluated: 2023-07-16. Review status: criteria provided, single submitter. Criteria: Invitae Variant Classification Sherloc (09022015). Collection method: clinical testing. Allele origin: germline.
Comment: This sequence change replaces glutamic acid, which is acidic and polar, with aspartic acid, which is acidic and polar, at codon 74 of the RPS10 protein (p.Glu74Asp). In summary, the available evidence is currently insufficient to determine the role of this variant in disease. Therefore, it has been classified as a Variant of Uncertain Significance. An algorithm developed to predict the effect of missense changes on protein structure and function (PolyPhen-2) suggests that this variant is likely to be disruptive. This variant has not been reported in the literature in individuals affected with RPS10-related conditions. This variant is not present in population databases (gnomAD no frequency).